The following is an entry in ClinVar:

ClinVar aggregate classification (germline): Pathogenic. Review status: no assertion criteria provided (0 of 4 stars). 3 submissions from 1 submitter: Pathogenic (3). Last evaluated 2015-12-30.

Conditions:
Peroxisome biogenesis disorder 1B (PBD1B). Also called: PEROXISOME BIOGENESIS DISORDER (NEONATAL ADRENOLEUKODYSTROPHY/INFANTILE REFSUM DISEASE); INFANTILE PHYTANIC ACID STORAGE DISEASE; PEROXISOME BIOGENESIS DISORDER (NALD/IRD); ADRENOLEUKODYSTROPHY, AUTOSOMAL NEONATAL; Refsum disease, infantile form; Infantile Refsum disease. Identifiers: Orphanet 44, MedGen C0282527, MONDO:0011101, OMIM 601539.
Peroxisome biogenesis disorder 1A (Zellweger) (PBD1A). Also called: Zellweger leukodystrophy; Peroxisome biogenesis disorder 1a. Identifiers: MedGen C4721541, MONDO:0008953, OMIM 214100.
Heimler syndrome 1 (HMLR1). Also called: PEROXISOME BIOGENESIS DISORDER 1C. Identifiers: Orphanet 3220, MedGen C4551980, OMIM 234580, MONDO:0024544.

Submissions (3):

Division of Human Genetics, Children's Hospital of Philadelphia
Classification: Pathogenic for Heimler syndrome 1; Peroxisome biogenesis disorder 1A (Zellweger); Peroxisome biogenesis disorder 1B. Last evaluated: 2015-12-30. Review status: no assertion criteria provided. Collection method: research. Allele origin: maternal. Affected: yes. Study: CSER-PediSeq.

Division of Human Genetics, Children's Hospital of Philadelphia
Classification: Pathogenic for Peroxisome biogenesis disorder 1A (Zellweger). Last evaluated: 2015-06-04. Review status: no assertion criteria provided. Collection method: research. Allele origin: paternal. Affected: yes. Study: CSER-PediSeq.
Comment: The heterozygous variant (c.3379dup; p.Arg1127Profs*9) is a duplication of a single nucleotide resulting in a shift in the reading frame, creating a premature stop codon. This is a novel variant that has not been reported previously but is predicted to be pathogenic (Rosewich et al. 2005 PMID: 16141001).

Division of Human Genetics, Children's Hospital of Philadelphia
Classification: Pathogenic for Peroxisome biogenesis disorder 1B (NALD/IRD). Last evaluated: 2015-06-04. Review status: no assertion criteria provided. Collection method: research. Allele origin: paternal. Affected: yes. Study: CSER-PediSeq.
Comment: the same text as in the submission from Division of Human Genetics, Children's Hospital of Philadelphia above.

NM_000466.3(PEX1):c.3379dup (p.Arg1127fs)

Genes: GATAD1 (GATA zinc finger domain containing 1; plus strand), PEX1 (peroxisomal biogenesis factor 1; minus strand). Cytogenetic location: 7q21.2.
Variant type: Duplication.
Coding change: c.3379dup on transcript NM_000466.3 (MANE Select); coding-DNA position 3379, one base duplicated (C; older notation c.3379dupC).
Protein change: p.Arg1127fs; shifts the reading frame from arginine 1127.
Molecular consequence: frameshift variant.
Genome position (GRCh38, 1-based): chr7:92,491,331, G duplicated on the plus strand (C on the coding strand, the reverse complement: PEX1 is on the minus strand); the first of 2 consecutive G bases (chr7:92,491,331-92,491,332); duplicating either gives the same sequence. VCF-style (leftmost placement, unchanged base first): chr7-92491330-C-CG. GRCh37 (hg19) VCF-style: chr7-92120644-C-CG.
Other names: c.3208dup, p.Arg1070fs (NM_001282677.2); c.2755dup, p.Arg919fs (NM_001282678.2); short protein forms R1127fs, R1070fs, R919fs.
Identifiers: ClinVar variation 203390 (VCV000203390.1), dbSNP rs794729652, ClinGen allele CA275522.